The following is an entry in ClinVar:

ClinVar aggregate classification (germline): Uncertain significance (1 of 4 stars; one submission).

Conditions:
Intellectual developmental disorder, autosomal dominant 54. Also called: MENTAL RETARDATION, AUTOSOMAL DOMINANT 54; Intellectual disability, autosomal dominant 54. Identifiers: MedGen C4540484, MONDO:0030920, OMIM 617799.

Submission:

Illumina Laboratory Services, Illumina
Classification: Uncertain significance for Intellectual developmental disorder, autosomal dominant 54. Last evaluated: 2021-04-15. Review status: criteria provided, single submitter. Criteria: ICSLVariantClassificationCriteria RUGD 01 April 2020. Collection method: clinical testing. Allele origin: unknown.
Comment: The CAMK2B c.1343C>T p.(Pro448Leu) variant is a missense variant. A literature search was performed for the gene, cDNA change, and amino acid change. No publications were found based on this search. This variant is not found in version 2.1.1 or version 3.1.1 of the Genome Aggregation Database despite its location in a region of good sequencing coverage, which suggests the variant is rare. Based on the limited evidence, the p.Pro448Leu variant is classified as a variant of uncertain significance for CAMK2B-related intellectual disability.

NM_001220.5(CAMK2B):c.1343C>T (p.Pro448Leu)

Gene: CAMK2B (calcium/calmodulin dependent protein kinase II beta; minus strand). Cytogenetic location: 7p13.
Variant type: single nucleotide variant.
Coding change: c.1343C>T on transcript NM_001220.5 (MANE Select); coding-DNA position 1343, C replaced by T.
Protein change: p.Pro448Leu; replaces proline 448 with leucine.
Molecular consequence: missense variant. On other transcripts: intron variant (8).
Genome position (GRCh38, 1-based): chr7:44,228,921, G>A on the plus strand (C>T on the coding strand, the complement: CAMK2B is on the minus strand). VCF-style: chr7-44228921-G-A. GRCh37 (hg19) VCF-style: chr7-44268520-G-A.
Other names: c.947-8020C>T (NM_172084.3); c.1150+2085C>T (NM_172080.3); c.1036+2085C>T (NM_172083.3); c.1108+2085C>T (NM_172081.3); c.1153+2085C>T (NM_172079.3, NM_172082.3); c.1225+2085C>T (NM_001293170.2, NM_172078.3); short protein forms P448L.
Identifiers: ClinVar variation 1328551 (VCV001328551.4), dbSNP rs2128911459, ClinGen allele CA367373353.